The following is an entry in ClinVar:

ClinVar aggregate classification (germline): Pathogenic (1 of 4 stars; one submission).

Submission:

Labcorp Genetics (formerly Invitae), Labcorp
Classification: Pathogenic. Last evaluated: 2022-04-15. Review status: criteria provided, single submitter. Criteria: Invitae Variant Classification Sherloc (09022015). Collection method: clinical testing. Allele origin: germline.
Comment: This sequence change creates a premature translational stop signal (p.Val248Asnfs*2) in the HSD3B2 gene. While this is not anticipated to result in nonsense mediated decay, it is expected to disrupt the last 125 amino acid(s) of the HSD3B2 protein. This variant is not present in population databases (gnomAD no frequency). This premature translational stop signal has been observed in individual(s) with congenital adrenal hyperplasia (PMID: 8284113). This variant is also known as codon 248 [GTC (Val)→AAC (Asn)], codon 249 [CGA(Arg)→TAG(STOP)]. This variant disrupts a region of the HSD3B2 protein in which other variant(s) (p.Trp345*) have been determined to be pathogenic (Invitae). This suggests that this is a clinically significant region of the protein, and that variants that disrupt it are likely to be disease-causing. For these reasons, this variant has been classified as Pathogenic.

Literature cited by the submitters: PubMed 8284113.

NM_000198.4(HSD3B2):c.742_746delinsAACT (p.Val248fs)

Gene: HSD3B2 (hydroxy-delta-5-steroid dehydrogenase, 3 beta- and steroid delta-isomerase 2; plus strand). Cytogenetic location: 1p12.
Variant type: Indel.
Coding change: c.742_746delinsAACT on transcript NM_000198.4 (MANE Select); coding-DNA positions 742 to 746, GTCCG replaced by AACT.
Protein change: p.Val248fs; shifts the reading frame from valine 248.
Molecular consequence: frameshift variant.
Genome position (GRCh38, 1-based): chr1:119,422,243-119,422,247, GTCCG replaced by AACT. VCF-style: chr1-119422243-GTCCG-AACT. GRCh37 (hg19) VCF-style: chr1-119964866-GTCCG-AACT.
Other names: c.742_746delinsAACT, p.Val248fs (NM_001166120.2); short protein forms V248fs.
Identifiers: ClinVar variation 1913134 (VCV001913134.6), dbSNP rs2526392908, ClinGen allele CA2580060928.